The following is an entry in ClinVar:

NM_005477.3(HCN4):c.2656G>A (p.Ala886Thr)

Gene: HCN4 (hyperpolarization activated cyclic nucleotide gated potassium channel 4; minus strand). Cytogenetic location: 15q24.1.
Variant type: single nucleotide variant.
Coding change: c.2656G>A on transcript NM_005477.3 (MANE Select); coding-DNA position 2656, G replaced by A.
Protein change: p.Ala886Thr; replaces alanine 886 with threonine.
Molecular consequence: missense variant.
Genome position (GRCh38, 1-based): chr15:73,323,437, C>T on the plus strand (G>A on the coding strand, the complement: HCN4 is on the minus strand). VCF-style: chr15-73323437-C-T. GRCh37 (hg19) VCF-style: chr15-73615778-C-T.
Other names: short protein forms A886T.
Identifiers: ClinVar variation 4778658 (VCV004778658.1).

ClinVar aggregate classification (germline): Uncertain significance (1 of 4 stars; one submission).

Conditions:
Brugada syndrome 8 (BRGDA8). Identifiers: Orphanet 130, MedGen C2751083, MONDO:0013148, OMIM 613123.

gnomAD v4.1: 1 of 1,608,904 alleles (0.000062%); no homozygotes.

Submission:

Labcorp Genetics (formerly Invitae), Labcorp
Classification: Uncertain significance for Brugada syndrome 8. Last evaluated: 2025-04-13. Review status: criteria provided, single submitter. Criteria: Invitae Variant Classification Sherloc (09022015). Collection method: clinical testing. Allele origin: germline.
Comment: This sequence change replaces alanine, which is neutral and non-polar, with threonine, which is neutral and polar, at codon 886 of the HCN4 protein (p.Ala886Thr). This variant is not present in population databases (gnomAD no frequency). This variant has not been reported in the literature in individuals affected with HCN4-related conditions. Invitae Evidence Modeling of protein sequence and biophysical properties (such as structural, functional, and spatial information, amino acid conservation, physicochemical variation, residue mobility, and thermodynamic stability) indicates that this missense variant is not expected to disrupt HCN4 protein function with a negative predictive value of 95%. In summary, the available evidence is currently insufficient to determine the role of this variant in disease. Therefore, it has been classified as a Variant of Uncertain Significance.